The following is an entry in ClinVar:

NM_017837.4(PIGV):c.222T>C (p.Ile74=)

Gene: PIGV (phosphatidylinositol glycan anchor biosynthesis class V; plus strand). Cytogenetic location: 1p36.11.
Variant type: single nucleotide variant.
Coding change: c.222T>C on transcript NM_017837.4 (MANE Select); coding-DNA position 222, T replaced by C.
Protein change: p.Ile74=; no amino-acid change (isoleucine 74 retained).
Molecular consequence: synonymous variant. On other transcripts: 5 prime UTR variant (1), non-coding transcript variant (2), intron variant (3).
Genome position (GRCh38, 1-based): chr1:26,794,256, T>C. VCF-style: chr1-26794256-T-C. GRCh37 (hg19) VCF-style: chr1-27120747-T-C.
Other names: c.222T>C, p.Ile74= (NM_001202554.2, NM_001374478.1, NM_001374480.1 and 2 more transcripts); c.-160T>C (NM_001374483.1); c.172+50T>C (NM_001374484.1, NM_001374485.1); c.79-3307T>C (NM_001374486.1).
Identifiers: ClinVar variation 3234215 (VCV003234215.20), dbSNP rs561858083, ClinGen allele CA708019.

ClinVar aggregate classification (germline): Likely benign (1 of 4 stars; one submission).

Allele frequency attached by ClinVar (database versions not stated): gnomAD 0.00003; ExAC 0.00004; 1000 Genomes Project 30x 0.00062; 1000 Genomes Project 0.00080.
gnomAD v4.1: 11 of 1,614,268 alleles (0.00068%); highest among the groups gnomAD compares: South Asian, 0.011%; no homozygotes.

Submission:

CeGaT Center for Human Genetics Tuebingen
Classification: Likely benign. Last evaluated: 2024-04-01. Review status: criteria provided, single submitter. Criteria: CeGaT Center For Human Genetics Tuebingen Variant Classification Criteria Version 2. Collection method: clinical testing. Allele origin: germline. Affected: yes. Observed: 1 variant allele.
Comment: PIGV: BP4, BP7